The following is an entry in ClinVar:

ClinVar aggregate classification (germline): Benign. Review status: criteria provided, multiple submitters, no conflicts (2 of 4 stars). 3 submissions from 3 submitters: Benign (3). Last evaluated 2021-07-14.

Conditions:
Autosomal recessive ataxia due to ubiquinone deficiency. Also called: SPINOCEREBELLAR ATAXIA, AUTOSOMAL RECESSIVE 9; Coenzyme Q10 deficiency, primary, 4. Identifiers: Orphanet 139485, MedGen C2677589, MONDO:0012784, OMIM 612016.

Allele frequency attached by ClinVar (database versions not stated): 1000 Genomes Project 0.35603; 1000 Genomes Project 30x 0.36462; gnomAD 0.43943 and 0.45192; gnomAD exomes 0.44123; TOPMed 0.44476.
gnomAD v4.1: 642,405 of 1,456,398 alleles (44%); highest among the groups gnomAD compares: African/African-American, 48%; 146,381 homozygotes.

Submissions (3):

Genome-Nilou Lab
Classification: Benign for Autosomal recessive ataxia due to ubiquinone deficiency. Last evaluated: 2021-07-14. Review status: criteria provided, single submitter. Criteria: ACMG Guidelines, 2015. Collection method: clinical testing. Allele origin: germline. Affected: no.

GeneDx
Classification: Benign. Last evaluated: 2018-06-14. Review status: criteria provided, single submitter. Criteria: GeneDx Variant Classification (06012015). Collection method: clinical testing. Allele origin: germline. Affected: yes.
Comment: This variant is considered likely benign or benign based on one or more of the following criteria: it is a conservative change, it occurs at a poorly conserved position in the protein, it is predicted to be benign by multiple in silico algorithms, and/or has population frequency not consistent with disease.

Breakthrough Genomics
Classification: Benign. Review status: criteria provided, single submitter. Criteria: ACMG Guidelines, 2015. Collection method: not provided. Allele origin: germline. Inheritance: Autosomal recessive inheritance. Affected: yes.

NM_020247.5(COQ8A):c.854-81A>G

Gene: COQ8A (coenzyme Q8A; plus strand). Cytogenetic location: 1q42.13.
Variant type: single nucleotide variant.
Coding change: c.854-81A>G on transcript NM_020247.5 (MANE Select); 81 bases into the intron before coding-DNA position 854, A replaced by G.
Molecular consequence: intron variant.
Genome position (GRCh38, 1-based): chr1:226,982,597, A>G. VCF-style: chr1-226982597-A-G. GRCh37 (hg19) VCF-style: chr1-227170298-A-G.
Identifiers: ClinVar variation 671530 (VCV000671530.5), dbSNP rs2297412, ClinGen allele CA10704024.